The following is an entry in ClinVar:

NM_000222.3(KIT):c.2725_2726delinsTT (p.Ala909Leu)

Gene: KIT (KIT proto-oncogene, receptor tyrosine kinase; plus strand). Cytogenetic location: 4q12.
Variant type: Indel.
Coding change: c.2725_2726delinsTT on transcript NM_000222.3 (MANE Select); coding-DNA positions 2725 to 2726, GC replaced by TT.
Protein change: p.Ala909Leu; replaces alanine 909 with leucine.
Molecular consequence: missense variant.
Genome position (GRCh38, 1-based): chr4:54,737,203-54,737,204, GC replaced by TT. VCF-style: chr4-54737203-GC-TT. GRCh37 (hg19) VCF-style: chr4-55603369-GC-TT.
Other names: c.2725_2726delGCinsTT (NM_000222.2); c.2713_2714delinsTT, p.Ala905Leu (NM_001093772.2, NM_001385292.1); c.2728_2729delinsTT, p.Ala910Leu (NM_001385284.1); c.2722_2723delinsTT, p.Ala908Leu (NM_001385285.1); c.2710_2711delinsTT, p.Ala904Leu (NM_001385286.1); c.2716_2717delinsTT, p.Ala906Leu (NM_001385288.1); c.2725_2726delinsTT, p.Ala909Leu (NM_001385290.1); short protein forms A905L, A909L, A904L, A906L, A908L, A910L.
Identifiers: ClinVar variation 942424 (VCV000942424.12), dbSNP rs1722969129, ClinGen allele CA1139658096.

ClinVar aggregate classification (germline): Uncertain significance. Review status: criteria provided, multiple submitters, no conflicts (2 of 4 stars). 2 submissions from 2 submitters: Uncertain significance (2). Last evaluated 2025-08-31.

Conditions:
Hereditary cancer-predisposing syndrome. Also called: Hereditary neoplastic syndrome; Neoplastic Syndromes, Hereditary; Hereditary Cancer Syndrome; Tumor predisposition. Identifiers: Orphanet 140162, MedGen C0027672, MeSH D009386, MONDO:0015356.
Gastrointestinal stromal tumor. Also called: Gastrointestinal stromal tumor, somatic; Gastrointestinal stroma tumor. Identifiers: Orphanet 44890, MedGen C0238198, MeSH D046152, MONDO:0011719, OMIM 606764, HP:0100723.

Submissions (2):

Labcorp Genetics (formerly Invitae), Labcorp
Classification: Uncertain significance for Gastrointestinal stromal tumor. Last evaluated: 2025-08-31. Review status: criteria provided, single submitter. Criteria: Invitae Variant Classification Sherloc (09022015). Collection method: clinical testing. Allele origin: germline.
Comment: This sequence change replaces alanine, which is neutral and non-polar, with leucine, which is neutral and non-polar, at codon 909 of the KIT protein (p.Ala909Leu). Information on the frequency of this variant in the gnomAD database is not available, as this variant may be reported differently in the database. This variant has not been reported in the literature in individuals affected with KIT-related conditions. ClinVar contains an entry for this variant (Variation ID: 942424). An algorithm developed to predict the effect of missense changes on protein structure and function (PolyPhen-2) suggests that this variant is likely to be tolerated. In summary, the available evidence is currently insufficient to determine the role of this variant in disease. Therefore, it has been classified as a Variant of Uncertain Significance.

Ambry Genetics
Classification: Uncertain significance for Hereditary cancer-predisposing syndrome. Last evaluated: 2020-03-25. Review status: criteria provided, single submitter. Criteria: Ambry Variant Classification Scheme 2023. Collection method: clinical testing. Allele origin: germline.
Comment: The c.2725_2726delGCinsTT variant (also known as p.A909L), located in coding exon 20 of the KIT gene, results from an in-frame deletion of GC and insertion of TT at nucleotide positions 2725 to 2726. This results in the substitution of the alanine residue for a leucine residue at codon 909. This amino acid position is well conserved in available vertebrate species. In addition, this alteration is predicted to be neutral by in silico analysis (Choi Y et al. PLoS ONE. 2012; 7(10):e46688). Since supporting evidence is limited at this time, the clinical significance of this alteration remains unclear.